The following is an entry in ClinVar:

ClinVar aggregate classification (germline): Likely benign. Review status: criteria provided, single submitter (1 of 4 stars). 2 submissions from 2 submitters: Likely benign (1). 1 of the submissions does not count toward it. Last evaluated 2022-11-15.

Conditions:
OTOG-related disorder. Also called: OTOG-related condition.

Allele frequency attached by ClinVar (database versions not stated): gnomAD exomes 0.00001; gnomAD 0.00003; TOPMed 0.00003.
gnomAD v4.1: 24 of 1,550,604 alleles (0.0015%); highest among the groups gnomAD compares: Non-Finnish European, 0.002%; no homozygotes.

Submissions (2):

Labcorp Genetics (formerly Invitae), Labcorp
Classification: Likely benign. Last evaluated: 2022-11-15. Review status: criteria provided, single submitter. Criteria: Invitae Variant Classification Sherloc (09022015). Collection method: clinical testing. Allele origin: germline.

PreventionGenetics, part of Exact Sciences
Classification: Likely benign for OTOG-related condition. Last evaluated: 2019-11-07. Review status: no assertion criteria provided. Collection method: clinical testing. Allele origin: germline. Not counted in ClinVar's aggregate classification.
Comment: This variant is classified as likely benign based on ACMG/AMP sequence variant interpretation guidelines (Richards et al. 2015 PMID: 25741868, with internal and published modifications).

NM_001292063.2(OTOG):c.3687T>C (p.Tyr1229=)

Gene: OTOG (otogelin; plus strand). Cytogenetic location: 11p15.1.
Variant type: single nucleotide variant.
Coding change: c.3687T>C on transcript NM_001292063.2 (MANE Select); coding-DNA position 3687, T replaced by C.
Protein change: p.Tyr1229=; no amino-acid change (tyrosine 1229 retained).
Molecular consequence: synonymous variant.
Genome position (GRCh38, 1-based): chr11:17,599,675, T>C. VCF-style: chr11-17599675-T-C. GRCh37 (hg19) VCF-style: chr11-17621222-T-C.
Other names: c.3723T>C, p.Tyr1241= (NM_001277269.2); c.3723T>C (NM_001277269.1).
Identifiers: ClinVar variation 1638868 (VCV001638868.10), dbSNP rs1161719473, ClinGen allele CA473303083.